The following is an entry in ClinVar:

NM_001378454.1(ALMS1):c.6139T>A (p.Ser2047Thr)

Gene: ALMS1 (ALMS1 centrosome and basal body associated protein; plus strand). Cytogenetic location: 2p13.1.
Variant type: single nucleotide variant.
Coding change: c.6139T>A on transcript NM_001378454.1 (MANE Select); coding-DNA position 6139, T replaced by A.
Protein change: p.Ser2047Thr; replaces serine 2047 with threonine.
Molecular consequence: missense variant.
Genome position (GRCh38, 1-based): chr2:73,452,666, T>A. VCF-style: chr2-73452666-T-A. GRCh37 (hg19) VCF-style: chr2-73679793-T-A.
Other names: c.6142T>A, p.Ser2048Thr (NM_015120.4); short protein forms S2048T, S2047T.
Identifiers: ClinVar variation 337020 (VCV000337020.6), dbSNP rs886056308, ClinGen allele CA10616150.

ClinVar aggregate classification (germline): Likely benign (1 of 4 stars; one submission).

Conditions:
ALMS1-related disorder. Also called: ALMS1-related condition.

Submission:

PreventionGenetics, part of Exact Sciences
Classification: Likely benign for ALMS1-related condition. Last evaluated: 2021-09-26. Review status: criteria provided, single submitter. Criteria: ACMG Guidelines, 2015. Collection method: clinical testing. Allele origin: germline.
Comment: This variant is classified as likely benign based on ACMG/AMP sequence variant interpretation guidelines (Richards et al. 2015 PMID: 25741868, with internal and published modifications).